The following is an entry in ClinVar:

ClinVar aggregate classification (germline): Likely pathogenic (1 of 4 stars; one submission).

Submission:

Baylor Genetics
Classification: Likely pathogenic. Last evaluated: 2018-11-01. Review status: criteria provided, single submitter. Criteria: ACMG CNV Guidelines, 2011. Collection method: clinical testing. Allele origin: germline. Affected: yes. Observed: 1 variant allele.
Comment: Deletions involving this region have been previously reported in patients with development delay and dysmorphic features [PMID 25506395, 22043489]

GRCh37/hg19 13q12.11(chr13:19540031-22849981)

Genes: CRYL1 (crystallin lambda 1; minus strand), EEF1AKMT1 (EEF1A lysine methyltransferase 1; minus strand), FGF9 (fibroblast growth factor 9; plus strand), GJA3 (gap junction protein alpha 3; minus strand), GJB2 (gap junction protein beta 2; minus strand) and 16 more. Cytogenetic location: 13q12.11.
Variant type: copy number loss.
Identifiers: ClinVar variation 625812 (VCV000625812.1).